The following is an entry in ClinVar:

ClinVar aggregate classification (germline): Uncertain significance (1 of 4 stars; one submission).

Allele frequency attached by ClinVar (database versions not stated): TOPMed below 0.00001; gnomAD 0.00001.
gnomAD v4.1: 1 of 1,614,048 alleles (0.000062%); highest among the groups gnomAD compares: Non-Finnish European, 0.000085%; no homozygotes.

Submission:

GeneDx
Classification: Uncertain significance. Last evaluated: 2022-10-28. Review status: criteria provided, single submitter. Criteria: GeneDx Variant Classification Process June 2021. Collection method: clinical testing. Allele origin: germline. Affected: yes.
Comment: Not observed at significant frequency in large population cohorts (gnomAD); In silico analysis supports that this missense variant has a deleterious effect on protein structure/function; Has not been previously published as pathogenic or benign to our knowledge

NM_001200.4(BMP2):c.632C>G (p.Pro211Arg)

Gene: BMP2 (bone morphogenetic protein 2; plus strand). Cytogenetic location: 20p12.3.
Variant type: single nucleotide variant.
Coding change: c.632C>G on transcript NM_001200.4 (MANE Select); coding-DNA position 632, C replaced by G.
Protein change: p.Pro211Arg; replaces proline 211 with arginine.
Molecular consequence: missense variant.
Genome position (GRCh38, 1-based): chr20:6,778,530, C>G. VCF-style: chr20-6778530-C-G. GRCh37 (hg19) VCF-style: chr20-6759177-C-G.
Other names: short protein forms P211R.
Identifiers: ClinVar variation 2500479 (VCV002500479.1), dbSNP rs1410843089, ClinGen allele CA408258770.